The following is an entry in ClinVar:

NM_003611.3(OFD1):c.127C>G (p.Gln43Glu)

Gene: OFD1 (OFD1 centriole and centriolar satellite protein; plus strand). Cytogenetic location: Xp22.2.
Variant type: single nucleotide variant.
Coding change: c.127C>G on transcript NM_003611.3 (MANE Select); coding-DNA position 127, C replaced by G.
Protein change: p.Gln43Glu; replaces glutamine 43 with glutamic acid.
Molecular consequence: missense variant. On other transcripts: 5 prime UTR variant (1).
Genome position (GRCh38, 1-based): chrX:13,736,493, C>G. VCF-style: chrX-13736493-C-G. GRCh37 (hg19) VCF-style: chrX-13754612-C-G.
Other names: c.127C>G, p.Gln43Glu (NM_001330209.2, NM_001440947.1, NM_001440948.1); c.-419C>G (NM_001330210.2); short protein forms Q43E.
Identifiers: ClinVar variation 5026077 (VCV005026077.1).

ClinVar aggregate classification (germline): Uncertain significance (1 of 4 stars; one submission).

Conditions:
Primary ciliary dyskinesia. Also called: Ciliary dyskinesia. Identifiers: Orphanet 244, MedGen C0008780, MONDO:0016575, HP:0012265.

gnomAD v4.1: 1 of 1,210,355 alleles (0.000083%); highest among the groups gnomAD compares: Non-Finnish European, 0.00011%; no homozygotes.

Submission:

Ambry Genetics
Classification: Uncertain significance for Primary ciliary dyskinesia. Last evaluated: 2026-07-28. Review status: criteria provided, single submitter. Criteria: Ambry Variant Classification Scheme 2023. Collection method: clinical testing. Allele origin: germline.
Comment: The c.127C>G (p.Q43E) alteration is located in exon 3 (coding exon 3) of the OFD1 gene. This alteration results from a C to G substitution at nucleotide position 127, causing the glutamine (Q) at amino acid position 43 to be replaced by a glutamic acid (E). Based on data from gnomAD, the G allele has an overall frequency of <0.001% (1/183442) total alleles studied. The highest observed frequency was 0.001% (1/81904) of European (non-Finnish) alleles. Based on insufficient or conflicting evidence, the clinical significance of this alteration remains unclear.